The following is an entry in ClinVar:

NM_000292.3(PHKA2):c.3187C>A (p.Arg1063=)

Gene: PHKA2 (phosphorylase kinase regulatory subunit alpha 2; minus strand). Cytogenetic location: Xp22.13.
Variant type: single nucleotide variant.
Coding change: c.3187C>A on transcript NM_000292.3 (MANE Select); coding-DNA position 3187, C replaced by A.
Protein change: p.Arg1063=; no amino-acid change (arginine 1063 retained).
Molecular consequence: synonymous variant.
Genome position (GRCh38, 1-based): chrX:18,897,258, G>T on the plus strand (C>A on the coding strand, the complement: PHKA2 is on the minus strand). VCF-style: chrX-18897258-G-T. GRCh37 (hg19) VCF-style: chrX-18915376-G-T.
Identifiers: ClinVar variation 384861 (VCV000384861.15), dbSNP rs139136352, ClinGen allele CA10361399.

ClinVar aggregate classification (germline): Benign/Likely benign. Review status: criteria provided, multiple submitters, no conflicts (2 of 4 stars). 5 submissions from 5 submitters: Benign (3); Likely benign (1). 1 of the submissions does not count toward it. Last evaluated 2026-01-19.

Conditions:
PHKA2-related disorder. Also called: PHKA2-related condition.
Glycogen storage disease IXa1. Also called: LIVER GLYCOGENOSIS, X-LINKED, TYPE I; GLYCOGEN STORAGE DISEASE VIII; GSD VIII; Glycogen storage disease 8. Identifiers: Orphanet 264580, MedGen C3694531, MONDO:0010598, OMIM 306000.

Allele frequency attached by ClinVar (database versions not stated): ESP Exome Variant Server 0.00028; 1000 Genomes Project 0.00053; TOPMed 0.00053; 1000 Genomes Project 30x 0.00062; gnomAD 0.00072 and 0.00081; ExAC 0.00077; gnomAD exomes 0.00083.
gnomAD v4.1: 471 of 1,208,631 alleles (0.039%); highest among the groups gnomAD compares: Admixed American, 0.32%; 3 homozygotes.

Submissions (5):

Labcorp Genetics (formerly Invitae), Labcorp
Classification: Benign for Glycogen storage disease IXa1. Last evaluated: 2026-01-19. Review status: criteria provided, single submitter. Criteria: Invitae Variant Classification Sherloc (09022015). Collection method: clinical testing. Allele origin: germline.

Blueprint Genetics
Classification: Likely benign. Last evaluated: 2024-07-16. Review status: criteria provided, single submitter. Criteria: ACMG Guidelines, 2015. Collection method: clinical testing. Allele origin: germline.

GeneDx
Classification: Benign. Last evaluated: 2018-02-22. Review status: criteria provided, single submitter. Criteria: GeneDx Variant Classification (06012015). Collection method: clinical testing. Allele origin: germline. Affected: yes.
Comment: This variant is considered likely benign or benign based on one or more of the following criteria: it is a conservative change, it occurs at a poorly conserved position in the protein, it is predicted to be benign by multiple in silico algorithms, and/or has population frequency not consistent with disease.

Breakthrough Genomics
Classification: Benign. Review status: criteria provided, single submitter. Criteria: ACMG Guidelines, 2015. Collection method: not provided. Allele origin: germline. Inheritance: X-linked inheritance. Affected: yes.

PreventionGenetics, part of Exact Sciences
Classification: Benign for PHKA2-related condition. Last evaluated: 2019-03-20. Review status: no assertion criteria provided. Collection method: clinical testing. Allele origin: germline. Not counted in ClinVar's aggregate classification.
Comment: This variant is classified as benign based on ACMG/AMP sequence variant interpretation guidelines (Richards et al. 2015 PMID: 25741868, with internal and published modifications).